The following is an entry in ClinVar:

NM_015122.3(FCHO1):c.1362C>G (p.Ser454Arg)

Gene: FCHO1 (FCH and mu domain containing endocytic adaptor 1; plus strand). Cytogenetic location: 19p13.11.
Variant type: single nucleotide variant.
Coding change: c.1362C>G on transcript NM_015122.3 (MANE Select); coding-DNA position 1362, C replaced by G.
Protein change: p.Ser454Arg; replaces serine 454 with arginine.
Molecular consequence: missense variant. On other transcripts: non-coding transcript variant (14), intron variant (15).
Genome position (GRCh38, 1-based): chr19:17,778,619, C>G. VCF-style: chr19-17778619-C-G. GRCh37 (hg19) VCF-style: chr19-17889428-C-G.
Other names: c.1362C>G, p.Ser454Arg (NM_001161357.2, NM_001161358.2, NM_001384370.1 and 13 more transcripts); c.1212C>G, p.Ser404Arg (NM_001161359.2, NM_001384384.1, NM_001384385.1 and 1 more transcripts); c.1323C>G, p.Ser441Arg (NM_001384388.1, NM_001384389.1, NM_001384405.1); c.1287C>G, p.Ser429Arg (NM_001384390.1); c.1351+391C>G (NM_001384396.1, NM_001384404.1, NM_001384398.1 and 5 more transcripts); c.1201+391C>G (NM_001384406.1); c.1057+2348C>G (NM_001384407.1); c.1362C>G (NM_001161357.1); and 2 more; short protein forms S429R, S404R, S441R, S454R.
Identifiers: ClinVar variation 1986657 (VCV001986657.2), dbSNP rs979700205, ClinGen allele CA306116918.
Genomic context (GRCh38, chr19:17,778,619, plus strand): 5'-GACTCTGAGTGGGCGAGGGTCGGAGCTGACCGCCCGCTTCCCTCCCCAAGGCTCTAGCAG[C>G]CTGGGCTTCACCTCCAGCCCCTCCCCTTTCTCCTCCTCGTCGCCCGAAAACGTGGAGGAT-3'
Protein context (NP_055937.1, residues 444-464): FDHEDFTGSS[Ser454Arg]LGFTSSPSPF

ClinVar aggregate classification (germline): Uncertain significance. Review status: criteria provided, multiple submitters, no conflicts (2 of 4 stars). 2 submissions from 2 submitters: Uncertain significance (2). Last evaluated 2025-11-26.

Allele frequency attached by ClinVar (database versions not stated): TOPMed 0.00003; gnomAD 0.00002.
gnomAD v4.1: 19 of 1,565,792 alleles (0.0012%); highest among the groups gnomAD compares: Non-Finnish European, 0.0015%; no homozygotes.

Submissions (2):

Ambry Genetics
Classification: Uncertain significance. Last evaluated: 2025-11-26. Review status: criteria provided, single submitter. Criteria: Ambry Variant Classification Scheme 2023. Collection method: clinical testing. Allele origin: germline.

Labcorp Genetics (formerly Invitae), Labcorp
Classification: Uncertain significance. Last evaluated: 2022-09-15. Review status: criteria provided, single submitter. Criteria: Invitae Variant Classification Sherloc (09022015). Collection method: clinical testing. Allele origin: germline.
Comment: This sequence change replaces serine, which is neutral and polar, with arginine, which is basic and polar, at codon 454 of the FCHO1 protein (p.Ser454Arg). This variant is present in population databases (no rsID available, gnomAD 0.01%). This variant has not been reported in the literature in individuals affected with FCHO1-related conditions. Algorithms developed to predict the effect of missense changes on protein structure and function are either unavailable or do not agree on the potential impact of this missense change (SIFT: "Tolerated"; PolyPhen-2: "Possibly Damaging"; Align-GVGD: "Class C0"). In summary, the available evidence is currently insufficient to determine the role of this variant in disease. Therefore, it has been classified as a Variant of Uncertain Significance.